The following is an entry in ClinVar:

ClinVar aggregate classification (germline): Likely benign. Review status: criteria provided, single submitter (1 of 4 stars). 2 submissions from 2 submitters: Likely benign (1). 1 of the submissions does not count toward it. Last evaluated 2026-01-05.

Conditions:
VPS13B-related disorder. Also called: VPS13B-related condition.
Cohen syndrome (COH1). Also called: Cutis verticis gyrata, retinitis pigmentosa, and sensorineural deafness; PEPPER SYNDROME. Identifiers: Orphanet 193, MedGen C0265223, MONDO:0008999, OMIM 216550.

Allele frequency attached by ClinVar (database versions not stated): ExAC 0.00002; gnomAD exomes 0.00003.
gnomAD v4.1: 48 of 1,613,974 alleles (0.003%); highest among the groups gnomAD compares: African/African-American, 0.004%; no homozygotes.

Submissions (2):

Labcorp Genetics (formerly Invitae), Labcorp
Classification: Likely benign for Cohen syndrome. Last evaluated: 2026-01-05. Review status: criteria provided, single submitter. Criteria: Invitae Variant Classification Sherloc (09022015). Collection method: clinical testing. Allele origin: germline.

PreventionGenetics, part of Exact Sciences
Classification: Likely benign for VPS13B-related condition. Last evaluated: 2022-03-31. Review status: no assertion criteria provided. Collection method: clinical testing. Allele origin: germline. Not counted in ClinVar's aggregate classification.
Comment: This variant is classified as likely benign based on ACMG/AMP sequence variant interpretation guidelines (Richards et al. 2015 PMID: 25741868, with internal and published modifications).

NM_152564.5(VPS13B):c.8361+13G>A

Gene: VPS13B (vacuolar protein sorting 13 homolog B; plus strand). Cytogenetic location: 8q22.2.
Variant type: single nucleotide variant.
Coding change: c.8361+13G>A on transcript NM_152564.5 (MANE Select); 13 bases into the intron after coding-DNA position 8361, G replaced by A.
Molecular consequence: intron variant.
Genome position (GRCh38, 1-based): chr8:99,817,816, G>A. VCF-style: chr8-99817816-G-A. GRCh37 (hg19) VCF-style: chr8-100830044-G-A.
Other names: c.8436+13G>A (NM_017890.5); c.8361+13G>A (NM_152564.4).
Identifiers: ClinVar variation 1552097 (VCV001552097.10), dbSNP rs757732868, ClinGen allele CA4824426.